The following is an entry in ClinVar:

NM_003906.5(MCM3AP):c.578C>G (p.Ser193Cys)

Gene: MCM3AP (minichromosome maintenance complex component 3 associated protein; minus strand). Cytogenetic location: 21q22.3.
Variant type: single nucleotide variant.
Coding change: c.578C>G on transcript NM_003906.5 (MANE Select); coding-DNA position 578, C replaced by G.
Protein change: p.Ser193Cys; replaces serine 193 with cysteine.
Molecular consequence: missense variant.
Genome position (GRCh38, 1-based): chr21:46,284,709, G>C on the plus strand (C>G on the coding strand, the complement: MCM3AP is on the minus strand). VCF-style: chr21-46284709-G-C. GRCh37 (hg19) VCF-style: chr21-47704623-G-C.
Other names: short protein forms S193C.
Identifiers: ClinVar variation 4981174 (VCV004981174.1).
Genomic context (GRCh38, chr21:46,284,709, plus strand): 5'-ACAGGTTTTGAAAAGGTAAAATTTGAAGTGGTAGCTGAACTACTTGTTACTTGAGGAAAA[G>C]AGAAAGGGGCCAGGCCTCCAGGTGCACTACTAATTGGGTGGGAAAATGTAAAAAACCCAG-3'
Protein context (NP_003897.2, residues 183-203): SSAPGGLAPF[Ser193Cys]FPQVTSSSAT

ClinVar aggregate classification (germline): Uncertain significance (1 of 4 stars; one submission).

Conditions:
MCM3AP-related disorder. Also called: MCM3AP-related condition.

gnomAD v4.1: 15 of 1,614,128 alleles (0.00093%); highest among the groups gnomAD compares: African/African-American, 0.019%; no homozygotes.

Submission:

PreventionGenetics, part of Exact Sciences
Classification: Uncertain significance for MCM3AP-related condition. Last evaluated: 2025-12-29. Review status: criteria provided, single submitter. Criteria: ACMG Guidelines, 2015. Collection method: clinical testing. Allele origin: germline.
Comment: The MCM3AP c.578C>G variant is predicted to result in the amino acid substitution p.Ser193Cys. To our knowledge, this variant has not been reported in the literature. This variant is reported in 0.024% of alleles in individuals of African descent in gnomAD. At this time, the clinical significance of this variant is uncertain due to the absence of conclusive functional and genetic evidence.